The following is an entry in ClinVar:

ClinVar aggregate classification (germline): Uncertain significance (1 of 4 stars; one submission).

Conditions:
Primary ciliary dyskinesia. Also called: Ciliary dyskinesia. Identifiers: Orphanet 244, MedGen C0008780, MONDO:0016575, HP:0012265.

Submission:

Labcorp Genetics (formerly Invitae), Labcorp
Classification: Uncertain significance for Primary ciliary dyskinesia. Last evaluated: 2022-07-14. Review status: criteria provided, single submitter. Criteria: Invitae Variant Classification Sherloc (09022015). Collection method: clinical testing. Allele origin: germline.
Comment: In summary, the available evidence is currently insufficient to determine the role of this variant in disease. Therefore, it has been classified as a Variant of Uncertain Significance. Algorithms developed to predict the effect of missense changes on protein structure and function (SIFT, PolyPhen-2, Align-GVGD) all suggest that this variant is likely to be tolerated. This variant has not been reported in the literature in individuals affected with DRC1-related conditions. This variant is not present in population databases (gnomAD no frequency). This sequence change replaces lysine, which is basic and polar, with glutamine, which is neutral and polar, at codon 265 of the DRC1 protein (p.Lys265Gln).

NM_145038.5(DRC1):c.793A>C (p.Lys265Gln)

Gene: DRC1 (dynein regulatory complex subunit 1; plus strand). Cytogenetic location: 2p23.3.
Variant type: single nucleotide variant.
Coding change: c.793A>C on transcript NM_145038.5 (MANE Select); coding-DNA position 793, A replaced by C.
Protein change: p.Lys265Gln; replaces lysine 265 with glutamine.
Molecular consequence: missense variant.
Genome position (GRCh38, 1-based): chr2:26,431,911, A>C. VCF-style: chr2-26431911-A-C. GRCh37 (hg19) VCF-style: chr2-26654779-A-C.
Other names: short protein forms K265Q.
Identifiers: ClinVar variation 1714362 (VCV001714362.6), dbSNP rs2465399324, ClinGen allele CA346102917.